The following is an entry in ClinVar:

ClinVar aggregate classification (germline): Uncertain significance (1 of 4 stars; one submission).

Conditions:
Immunodeficiency 39 (IMD39). Identifiers: Orphanet 574918, MedGen C4225358, MONDO:0014597, OMIM 616345.

Allele frequency attached by ClinVar (database versions not stated): TOPMed below 0.00001; ExAC 0.00002.
gnomAD v4.1: 25 of 1,612,594 alleles (0.0016%); highest among the groups gnomAD compares: Non-Finnish European, 0.0021%; no homozygotes.

Submission:

Labcorp Genetics (formerly Invitae), Labcorp
Classification: Uncertain significance for Immunodeficiency 39. Last evaluated: 2023-03-26. Review status: criteria provided, single submitter. Criteria: Invitae Variant Classification Sherloc (09022015). Collection method: clinical testing. Allele origin: germline.
Comment: In summary, the available evidence is currently insufficient to determine the role of this variant in disease. Therefore, it has been classified as a Variant of Uncertain Significance. Advanced modeling of protein sequence and biophysical properties (such as structural, functional, and spatial information, amino acid conservation, physicochemical variation, residue mobility, and thermodynamic stability) performed at Invitae indicates that this missense variant is not expected to disrupt IRF7 protein function. This variant has not been reported in the literature in individuals affected with IRF7-related conditions. This variant is present in population databases (rs748572013, gnomAD 0.004%). This sequence change replaces alanine, which is neutral and non-polar, with valine, which is neutral and non-polar, at codon 212 of the IRF7 protein (p.Ala212Val).

NM_001572.5(IRF7):c.596C>T (p.Ala199Val)

Gene: IRF7 (interferon regulatory factor 7; minus strand). Cytogenetic location: 11p15.5.
Variant type: single nucleotide variant.
Coding change: c.596C>T on transcript NM_001572.5 (MANE Select); coding-DNA position 596, C replaced by T.
Protein change: p.Ala199Val; replaces alanine 199 with valine.
Molecular consequence: missense variant.
Genome position (GRCh38, 1-based): chr11:614,257, G>A on the plus strand (C>T on the coding strand, the complement: IRF7 is on the minus strand). VCF-style: chr11-614257-G-A. GRCh37 (hg19) VCF-style: chr11-614257-G-A.
Other names: c.596C>T, p.Ala199Val (NM_004029.4); c.635C>T, p.Ala212Val (NM_004031.4); short protein forms A199V, A212V.
Identifiers: ClinVar variation 2871710 (VCV002871710.3), dbSNP rs748572013, ClinGen allele CA5783898.